The following is an entry in ClinVar:

ClinVar aggregate classification (germline): Uncertain significance. Review status: criteria provided, multiple submitters, no conflicts (2 of 4 stars). 3 submissions from 3 submitters: Uncertain significance (3). Last evaluated 2025-05-08.

Submissions (3):

Labcorp Genetics (formerly Invitae), Labcorp
Classification: Uncertain significance. Last evaluated: 2025-05-08. Review status: criteria provided, single submitter. Criteria: Invitae Variant Classification Sherloc (09022015). Collection method: clinical testing. Allele origin: germline.
Comment: This sequence change replaces histidine, which is basic and polar, with asparagine, which is neutral and polar, at codon 1884 of the CACNA1F protein (p.His1884Asn). This variant is not present in population databases (gnomAD no frequency). This variant has not been reported in the literature in individuals affected with CACNA1F-related conditions. ClinVar contains an entry for this variant (Variation ID: 1934932). An algorithm developed to predict the effect of missense changes on protein structure and function (PolyPhen-2) suggests that this variant is likely to be tolerated. In summary, the available evidence is currently insufficient to determine the role of this variant in disease. Therefore, it has been classified as a Variant of Uncertain Significance.

Blueprint Genetics
Classification: Uncertain significance. Last evaluated: 2024-09-18. Review status: criteria provided, single submitter. Criteria: ACMG Guidelines, 2015. Collection method: clinical testing. Allele origin: germline.

GeneDx
Classification: Uncertain significance. Last evaluated: 2023-11-16. Review status: criteria provided, single submitter. Criteria: GeneDx Variant Classification Process June 2021. Collection method: clinical testing. Allele origin: germline. Affected: yes.
Comment: Not observed at significant frequency in large population cohorts (gnomAD); In silico analysis supports that this missense variant does not alter protein structure/function; Has not been previously published as pathogenic or benign to our knowledge

NM_001256789.3(CACNA1F):c.5617C>A (p.His1873Asn)

Gene: CACNA1F (calcium voltage-gated channel subunit alpha1 F; minus strand). Cytogenetic location: Xp11.23.
Variant type: single nucleotide variant.
Coding change: c.5617C>A on transcript NM_001256789.3 (MANE Select); coding-DNA position 5617, C replaced by A.
Protein change: p.His1873Asn; replaces histidine 1873 with asparagine.
Molecular consequence: missense variant.
Genome position (GRCh38, 1-based): chrX:49,205,669, G>T on the plus strand (C>A on the coding strand, the complement: CACNA1F is on the minus strand). VCF-style: chrX-49205669-G-T. GRCh37 (hg19) VCF-style: chrX-49062129-G-T.
Other names: c.5650C>A (NM_005183.2); c.5455C>A, p.His1819Asn (NM_001256790.3); c.5650C>A, p.His1884Asn (NM_005183.4); short protein forms H1873N, H1884N, H1819N.
Identifiers: ClinVar variation 1934932 (VCV001934932.7), dbSNP rs2520670975, ClinGen allele CA412956969.
Genomic context (GRCh38, chrX:49,205,669, plus strand): 5'-GACTCACAGCCTCCACCAAGCTGTCGGCACTGCCCCTCTTCCCATGGCTGGGGTCCGAGT[G>T]GGTTCCAGGCACGTGCAGACAGGTGAAGGTGCGCAGTGGGCCACTGGATCTGCCGAGGTA-3'
Protein context (NP_001243718.1, residues 1863-1883): TFTCLHVPGT[His1873Asn]SDPSHGKRGS